The following is an entry in ClinVar:

ClinVar aggregate classification (germline): Likely benign (1 of 4 stars; one submission).

Submission:

CeGaT Center for Human Genetics Tuebingen
Classification: Likely benign. Last evaluated: 2024-09-01. Review status: criteria provided, single submitter. Criteria: CeGaT Center For Human Genetics Tuebingen Variant Classification Criteria Version 2. Collection method: clinical testing. Allele origin: germline. Affected: yes. Observed: 1 variant allele.
Comment: PLIN4: BP4, BP7

NM_001367868.2(PLIN4):c.2172T>C (p.Thr724=)

Gene: PLIN4 (perilipin 4; minus strand). Cytogenetic location: 19p13.3.
Variant type: single nucleotide variant.
Coding change: c.2172T>C on transcript NM_001367868.2 (MANE Select); coding-DNA position 2172, T replaced by C.
Protein change: p.Thr724=; no amino-acid change (threonine 724 retained).
Molecular consequence: synonymous variant.
Genome position (GRCh38, 1-based): chr19:4,511,788, A>G on the plus strand (T>C on the coding strand, the complement: PLIN4 is on the minus strand). VCF-style: chr19-4511788-A-G. GRCh37 (hg19) VCF-style: chr19-4511800-A-G.
Other names: c.2175T>C, p.Thr725= (NM_001393888.1, NM_001393889.1); c.2172T>C, p.Thr724= (NM_001393890.1, NM_001393891.1).
Identifiers: ClinVar variation 3388094 (VCV003388094.14).